The following is an entry in ClinVar:

ClinVar aggregate classification (germline): Benign/Likely benign. Review status: criteria provided, multiple submitters, no conflicts (2 of 4 stars). 2 submissions from 2 submitters: Benign (1); Likely benign (1). Last evaluated 2025-02-05.

Conditions:
Hyperalphalipoproteinemia 1 (HALP1). Also called: CETP-Related Hyperalphalipoproteinemia; CETP DEFICIENCY. Identifiers: MedGen C3149462, OMIM 143470.

Allele frequency attached by ClinVar (database versions not stated): TOPMed 0.00002.
gnomAD v4.1: 58 of 1,613,946 alleles (0.0036%); highest among the groups gnomAD compares: East Asian, 0.0045%; no homozygotes.

Submissions (2):

Labcorp Genetics (formerly Invitae), Labcorp
Classification: Likely benign. Last evaluated: 2025-02-05. Review status: criteria provided, single submitter. Criteria: Invitae Variant Classification Sherloc (09022015). Collection method: clinical testing. Allele origin: germline.

Illumina Laboratory Services, Illumina
Classification: Benign for Hyperalphalipoproteinemia 1. Last evaluated: 2018-01-13. Review status: criteria provided, single submitter. Criteria: ICSL Variant Classification Criteria 13 December 2019. Collection method: clinical testing. Allele origin: germline.
Comment: This variant was observed in the ICSL laboratory as part of a predisposition screen in an ostensibly healthy population. It had not been previously curated by ICSL or reported in the Human Gene Mutation Database (HGMD: prior to June 1st, 2018), and was therefore a candidate for classification through an automated scoring system. Utilizing variant allele frequency, disease prevalence and penetrance estimates, and inheritance mode, an automated score was calculated to assess if this variant is too frequent to cause the disease. Based on the score and internal cut-off values, a variant classified as benign is not then subjected to further curation. The score for this variant resulted in a classification of benign for this disease.

NM_000078.3(CETP):c.804G>A (p.Ser268=)

Gene: CETP (cholesteryl ester transfer protein; plus strand). Cytogenetic location: 16q13.
Variant type: single nucleotide variant.
Coding change: c.804G>A on transcript NM_000078.3 (MANE Select); coding-DNA position 804, G replaced by A.
Protein change: p.Ser268=; no amino-acid change (serine 268 retained).
Molecular consequence: synonymous variant. On other transcripts: intron variant (1).
Genome position (GRCh38, 1-based): chr16:56,973,384, G>A. VCF-style: chr16-56973384-G-A. GRCh37 (hg19) VCF-style: chr16-57007296-G-A.
Other names: c.750+1301G>A (NM_001286085.2).
Identifiers: ClinVar variation 886621 (VCV000886621.11), dbSNP rs28381707, ClinGen allele CA8071107.